The following is an entry in ClinVar:

NM_017686.4(GDAP2):c.677C>A (p.Ser226Ter)

Gene: GDAP2 (ganglioside induced differentiation associated protein 2; minus strand). Cytogenetic location: 1p12.
Variant type: single nucleotide variant.
Coding change: c.677C>A on transcript NM_017686.4 (MANE Select); coding-DNA position 677, C replaced by A.
Protein change: p.Ser226Ter; replaces serine 226 with a stop codon.
Molecular consequence: nonsense.
Genome position (GRCh38, 1-based): chr1:117,899,176, G>T on the plus strand (C>A on the coding strand, the complement: GDAP2 is on the minus strand). VCF-style: chr1-117899176-G-T. GRCh37 (hg19) VCF-style: chr1-118441798-G-T.
Other names: c.677C>A, p.Ser226Ter (NM_001135589.3); short protein forms S226*.
Identifiers: ClinVar variation 4994284 (VCV004994284.1).

ClinVar aggregate classification (germline): Likely pathogenic (1 of 4 stars; one submission).

Conditions:
GDAP2-related disorder. Also called: GDAP2-related condition.

Submission:

PreventionGenetics, part of Exact Sciences
Classification: Likely pathogenic for GDAP2-related condition. Last evaluated: 2025-11-01. Review status: criteria provided, single submitter. Criteria: ACMG Guidelines, 2015. Collection method: clinical testing. Allele origin: germline.
Comment: The GDAP2 c.677C>A variant is predicted to result in premature protein termination (p.Ser226*). To our knowledge, this variant has not been reported in the literature. This variant is absent in a large population database (gnomAD), indicating this variant is rare. Nonsense variants in GDAP2 are expected to be pathogenic. This variant is interpreted as likely pathogenic.